The following is an entry in ClinVar:

NM_001458.5(FLNC):c.1772A>C (p.Asp591Ala)

Gene: FLNC (filamin C; plus strand). Cytogenetic location: 7q32.1.
Variant type: single nucleotide variant.
Coding change: c.1772A>C on transcript NM_001458.5 (MANE Select); coding-DNA position 1772, A replaced by C.
Protein change: p.Asp591Ala; replaces aspartic acid 591 with alanine.
Molecular consequence: missense variant.
Genome position (GRCh38, 1-based): chr7:128,840,929, A>C. VCF-style: chr7-128840929-A-C. GRCh37 (hg19) VCF-style: chr7-128480983-A-C.
Other names: c.1772A>C, p.Asp591Ala (NM_001127487.2); short protein forms D591A.
Identifiers: ClinVar variation 4812650 (VCV004812650.1).
Genomic context (GRCh38, chr7:128,840,929, plus strand): 5'-TGCAAAAGGTCCGGGCCTGGGGTCCTGGTTTGGAGACTGGCCAGGTGGGCAAGTCAGCCG[A>C]TTTTGTGGTGGAAGCCATTGGCACCGAGGTGGGGACACTGGGTAAGTGGCTGGGGGGCAG-3'
Protein context (NP_001449.3, residues 581-601): LETGQVGKSA[Asp591Ala]FVVEAIGTEV

ClinVar aggregate classification (germline): Uncertain significance (1 of 4 stars; one submission).

Conditions:
Hypertrophic cardiomyopathy 26. Also called: Cardiomyopathy, familial hypertrophic, 26. Identifiers: Orphanet 75249, MedGen C4310749, MONDO:0014883, OMIM 617047.
Myofibrillar myopathy 5. Also called: Filaminopathy (type); FILAMINOPATHY, AUTOSOMAL DOMINANT. Identifiers: Orphanet 171445, MedGen C1836050, MONDO:0012289, OMIM 609524.
Distal myopathy with posterior leg and anterior hand involvement. Also called: WILLIAMS DISTAL MYOPATHY. Identifiers: Orphanet 63273, MedGen C3279722, MONDO:0013550, OMIM 614065.

gnomAD v4.1: 1 of 1,608,804 alleles (0.000062%); highest among the groups gnomAD compares: Admixed American, 0.0017%; no homozygotes.

Submission:

Labcorp Genetics (formerly Invitae), Labcorp
Classification: Uncertain significance for Distal myopathy with posterior leg and anterior hand involvement; Myofibrillar myopathy 5; Hypertrophic cardiomyopathy 26. Last evaluated: 2025-09-24. Review status: criteria provided, single submitter. Criteria: Invitae Variant Classification Sherloc (09022015). Collection method: clinical testing. Allele origin: germline.
Comment: This sequence change replaces aspartic acid, which is acidic and polar, with alanine, which is neutral and non-polar, at codon 591 of the FLNC protein (p.Asp591Ala). This variant is present in population databases (rs774626629, gnomAD 0.003%). This variant has not been reported in the literature in individuals affected with FLNC-related conditions. Invitae Evidence Modeling of protein sequence and biophysical properties (such as structural, functional, and spatial information, amino acid conservation, physicochemical variation, residue mobility, and thermodynamic stability) has been performed for this missense variant. However, the output from this modeling did not meet the statistical confidence thresholds required to predict the impact of this variant on FLNC protein function. In summary, the available evidence is currently insufficient to determine the role of this variant in disease. Therefore, it has been classified as a Variant of Uncertain Significance.